The following is an entry in ClinVar:

NM_000138.5(FBN1):c.4582+2T>C

Gene: FBN1 (fibrillin 1; minus strand). Cytogenetic location: 15q21.1.
Variant type: single nucleotide variant.
Coding change: c.4582+2T>C on transcript NM_000138.5 (MANE Select); the canonical splice donor site of the intron after coding-DNA position 4582, T replaced by C.
Molecular consequence: splice donor variant.
Genome position (GRCh38, 1-based): chr15:48,468,410, A>G on the plus strand (T>C on the coding strand, the complement: FBN1 is on the minus strand). VCF-style: chr15-48468410-A-G. GRCh37 (hg19) VCF-style: chr15-48760607-A-G.
Other names: c.4582+2T>C (NM_001406716.1).
Identifiers: ClinVar variation 3759282 (VCV003759282.2).
Genomic context (GRCh38, chr15:48,468,410, plus strand): 5'-GGTGCTGTTTTCAAAATAATACACAGTATGCTTGCTTCTCTGAAAAGTTTTTAAGGTCTT[A>G]CCAACACAGCCAACTCGAGTTGGGTTCAGTTCAAAATCAGGTGGGCAGTCACAGATATAG-3'

ClinVar aggregate classification (germline): Pathogenic (1 of 4 stars; one submission).

Conditions:
Marfan syndrome (MFS). Also called: MARFAN SYNDROME, TYPE I; Marfan syndrome type 1; Marfan's syndrome; Marfan syndrome, classic; FBN1-Related Marfan Syndrome. Identifiers: Orphanet 284963, Orphanet 558, MedGen C0024796, MONDO:0007947, OMIM 154700.
Familial thoracic aortic aneurysm and aortic dissection (TAAD). Also called: Thoracic aortic aneurysms and dissections. Identifiers: Orphanet 91387, MedGen C4707243, MONDO:0019625.

Submission:

Labcorp Genetics (formerly Invitae), Labcorp
Classification: Pathogenic for Marfan syndrome; Familial thoracic aortic aneurysm and aortic dissection. Last evaluated: 2024-07-01. Review status: criteria provided, single submitter. Criteria: Invitae Variant Classification Sherloc (09022015). Collection method: clinical testing. Allele origin: germline.
Comment: This sequence change affects a donor splice site in intron 37 of the FBN1 gene. It is expected to disrupt RNA splicing. Variants that disrupt the donor or acceptor splice site typically lead to a loss of protein function (PMID: 16199547), and loss-of-function variants in FBN1 are known to be pathogenic (PMID: 17657824, 19293843). This variant is not present in population databases (gnomAD no frequency). Disruption of this splice site has been observed in individuals with Marfan syndrome (PMID: 25907466, 27906200). Algorithms developed to predict the effect of sequence changes on RNA splicing suggest that this variant may disrupt the consensus splice site. For these reasons, this variant has been classified as Pathogenic.

Literature cited by the submitters: PubMed 16199547; PubMed 17657824; PubMed 19293843; PubMed 25907466; PubMed 27906200.